The following is an entry in ClinVar:

ClinVar aggregate classification (germline): Uncertain significance (1 of 4 stars; one submission).

Conditions:
Intellectual developmental disorder, X-linked, syndromic 35. Also called: Intellectual disability, X-linked, syndromic, 35. Identifiers: MedGen C4478383, MONDO:0030908, OMIM 300998.
Autism, susceptibility to, X-linked 5 (AUTSX5). Identifiers: MedGen C3275438, MONDO:0010449, OMIM 300847.

Submission:

Juno Genomics, Hangzhou Juno Genomics, Inc
Classification: Uncertain significance for Autism, susceptibility to, X-linked 5; Intellectual developmental disorder, X-linked, syndromic 35. Review status: criteria provided, single submitter. Criteria: ACMG Guidelines, 2015. Collection method: clinical testing. Allele origin: germline.
Comment: Absent from controls (or at extremely low frequency if recessive) in Genome Aggregation Database.;Multiple lines of computational evidence support a deleterious effect on the gene or gene product.

NM_006013.5(RPL10):c.91A>G (p.Ile31Val)

Gene: RPL10 (ribosomal protein L10; plus strand). Cytogenetic location: Xq28.
Variant type: single nucleotide variant.
Coding change: c.91A>G on transcript NM_006013.5 (MANE Select); coding-DNA position 91, A replaced by G.
Protein change: p.Ile31Val; replaces isoleucine 31 with valine.
Molecular consequence: missense variant. On other transcripts: intron variant (1).
Genome position (GRCh38, 1-based): chrX:154,399,495, A>G. VCF-style: chrX-154399495-A-G. GRCh37 (hg19) VCF-style: chrX-153627836-A-G.
Other names: c.91A>G, p.Ile31Val (NM_001256577.2, NM_001303626.1, NM_001303624.2 and 1 more transcripts); c.82+99A>G (NM_001256580.2); short protein forms I31V.
Identifiers: ClinVar variation 5019708 (VCV005019708.2).